The following is an entry in ClinVar:

NM_001243133.2(NLRP3):c.2419G>A (p.Ala807Thr)

Gene: NLRP3 (NLR family pyrin domain containing 3; plus strand). Cytogenetic location: 1q44.
Variant type: single nucleotide variant.
Coding change: c.2419G>A on transcript NM_001243133.2 (MANE Select); coding-DNA position 2419, G replaced by A.
Protein change: p.Ala807Thr; replaces alanine 807 with threonine.
Molecular consequence: missense variant.
Genome position (GRCh38, 1-based): chr1:247,434,200, G>A. VCF-style: chr1-247434200-G-A. GRCh37 (hg19) VCF-style: chr1-247597502-G-A.
Other names: c.2419G>A, p.Ala807Thr (NM_001079821.3, NM_001127461.3); c.2248G>A, p.Ala750Thr (NM_001127462.3, NM_183395.3); c.2425G>A, p.Ala809Thr (NM_004895.5); short protein forms A809T, A807T, A750T.
Identifiers: ClinVar variation 704776 (VCV000704776.46), dbSNP rs201096167, ClinGen allele CA1495234.

ClinVar aggregate classification (germline): Conflicting classifications of pathogenicity. Review status: criteria provided, conflicting classifications (1 of 4 stars). 8 submissions from 8 submitters: Uncertain significance (1); Benign (1); Likely benign (4). 2 of the submissions do not count toward it. Last evaluated 2025-08-02.

Conditions:
Autoinflammatory syndrome. Identifiers: Orphanet 93665, MedGen C3890737, MONDO:0019751.
NLRP3-related disorder. Also called: NLRP3-Related Disorders; NLRP3-related condition.
Cryopyrin associated periodic syndrome (CAPS). Identifiers: Orphanet 208650, MedGen C2316212, MONDO:0016168.

Allele frequency attached by ClinVar (database versions not stated): gnomAD 0.00002 and 0.00013; TOPMed 0.00005; ExAC 0.00042; 1000 Genomes Project 30x 0.00109; 1000 Genomes Project 0.00140.
gnomAD v4.1: 273 of 1,614,228 alleles (0.017%); highest among the groups gnomAD compares: South Asian, 0.27%; 1 homozygote.

Submissions (8):

Labcorp Genetics (formerly Invitae), Labcorp
Classification: Likely benign for Cryopyrin associated periodic syndrome. Last evaluated: 2025-08-02. Review status: criteria provided, single submitter. Criteria: Invitae Variant Classification Sherloc (09022015). Collection method: clinical testing. Allele origin: germline.

PreventionGenetics, part of Exact Sciences
Classification: Likely benign for NLRP3-related condition. Last evaluated: 2024-11-12. Review status: criteria provided, single submitter. Criteria: ACMG Guidelines, 2015. Collection method: clinical testing. Allele origin: germline.
Comment: This variant is classified as likely benign based on ACMG/AMP sequence variant interpretation guidelines (Richards et al. 2015 PMID: 25741868, with internal and published modifications).

GeneDx
Classification: Uncertain significance. Last evaluated: 2024-11-08. Review status: criteria provided, single submitter. Criteria: GeneDx Variant Classification Process June 2021. Collection method: clinical testing. Allele origin: germline. Affected: yes.
Comment: Identified in a patient with Muckle-Wells syndrome in published literature (PMID: 30783801); In silico analysis indicates that this missense variant does not alter protein structure/function; Also known as A807T; This variant is associated with the following publications: (PMID: 34426522, 30783801)

ARUP Laboratories, Molecular Genetics and Genomics, ARUP Laboratories
Classification: Likely benign. Last evaluated: 2024-01-10. Review status: criteria provided, single submitter. Criteria: ARUP Molecular Germline Variant Investigation Process 2024. Collection method: clinical testing. Allele origin: germline.

CeGaT Center for Human Genetics Tuebingen
Classification: Benign. Last evaluated: 2023-05-01. Review status: criteria provided, single submitter. Criteria: CeGaT Center For Human Genetics Tuebingen Variant Classification Criteria Version 2. Collection method: clinical testing. Allele origin: germline. Affected: yes. Observed: 1 variant allele.
Comment: NLRP3: BS1, BS2

Genome Diagnostics Laboratory, The Hospital for Sick Children
Classification: Likely benign for Autoinflammatory syndrome. Last evaluated: 2017-11-01. Review status: criteria provided, single submitter. Criteria: ACMG Guidelines, 2015. Collection method: clinical testing. Allele origin: germline. Affected: yes.

Diagnostic Laboratory, Department of Genetics, University Medical Center Groningen
Classification: Likely benign. Review status: no assertion criteria provided. Collection method: clinical testing. Allele origin: germline. Affected: yes. Study: VKGL Data-share Consensus. Not counted in ClinVar's aggregate classification.

Genome Diagnostics Laboratory, University Medical Center Utrecht
Classification: Likely benign. Review status: no assertion criteria provided. Collection method: clinical testing. Allele origin: germline. Affected: yes. Study: VKGL Data-share Consensus. Not counted in ClinVar's aggregate classification.